The following is an entry in ClinVar:

NM_000038.6(APC):c.6143C>G (p.Pro2048Arg)

Gene: APC (APC regulator of Wnt signaling pathway; plus strand). Cytogenetic location: 5q22.2.
Variant type: single nucleotide variant.
Coding change: c.6143C>G on transcript NM_000038.6 (MANE Select); coding-DNA position 6143, C replaced by G.
Protein change: p.Pro2048Arg; replaces proline 2048 with arginine.
Molecular consequence: missense variant.
Genome position (GRCh38, 1-based): chr5:112,841,737, C>G. VCF-style: chr5-112841737-C-G. GRCh37 (hg19) VCF-style: chr5-112177434-C-G.
Other names: c.6143C>G, p.Pro2048Arg (NM_001127510.3, NM_001354895.2, NM_001407450.1); c.6089C>G, p.Pro2030Arg (NM_001127511.3); c.6197C>G, p.Pro2066Arg (NM_001354896.2, NM_001407447.1, NM_001407448.1 and 1 more transcripts); c.6173C>G, p.Pro2058Arg (NM_001354897.2); c.6068C>G, p.Pro2023Arg (NM_001354898.2); c.6059C>G, p.Pro2020Arg (NM_001354899.2); c.6020C>G, p.Pro2007Arg (NM_001354900.2); c.5966C>G, p.Pro1989Arg (NM_001354901.2, NM_001407453.1); and 11 more; short protein forms P1765R, P1965R, P1989R, P2007R, P2020R, P2076R, P1888R, P1919R.
Identifiers: ClinVar variation 1751842 (VCV001751842.2), dbSNP rs1448342914, ClinGen allele CA16034781.

ClinVar aggregate classification (germline): Uncertain significance (1 of 4 stars; one submission).

Conditions:
Hereditary cancer-predisposing syndrome. Also called: Hereditary Cancer Syndrome; Hereditary neoplastic syndrome; Neoplastic Syndromes, Hereditary; Tumor predisposition. Identifiers: Orphanet 140162, MedGen C0027672, MeSH D009386, MONDO:0015356.

Submission:

Ambry Genetics
Classification: Uncertain significance for Hereditary cancer-predisposing syndrome. Last evaluated: 2022-06-09. Review status: criteria provided, single submitter. Criteria: Ambry Variant Classification Scheme 2023. Collection method: clinical testing. Allele origin: germline.
Comment: The p.P2048R variant (also known as c.6143C>G), located in coding exon 15 of the APC gene, results from a C to G substitution at nucleotide position 6143. The proline at codon 2048 is replaced by arginine, an amino acid with dissimilar properties. This amino acid position is conserved. In addition, in silico predictors for this gene do not accurately predict pathogenicity. Since supporting evidence is limited at this time, the clinical significance of this alteration remains unclear.